The following is an entry in ClinVar:

ClinVar aggregate classification (germline): Uncertain significance (1 of 4 stars; one submission).

Conditions:
Menkes kinky-hair syndrome (MNK). Also called: Copper transport disease; Menkes Disease; Classic Menkes Disease. Identifiers: Orphanet 565, MedGen C0022716, MONDO:0010651, OMIM 309400.
X-linked distal spinal muscular atrophy type 3. Also called: ATP7A-Related Distal Motor Neuropathy; SPINAL MUSCULAR ATROPHY, DISTAL, X-LINKED RECESSIVE; NEURONOPATHY, DISTAL HEREDITARY MOTOR, X-LINKED; NEUROPATHY, DISTAL HEREDITARY MOTOR, X-LINKED. Identifiers: Orphanet 139557, MedGen C1845359, MONDO:0010338, OMIM 300489.
Cutis laxa, X-linked (OHS). Also called: EDS IX; Occipital horn syndrome. Identifiers: Orphanet 198, MedGen C0268353, MONDO:0010572, OMIM 304150.

Submission:

Labcorp Genetics (formerly Invitae), Labcorp
Classification: Uncertain significance for X-linked distal spinal muscular atrophy type 3; Cutis laxa, X-linked; Menkes kinky-hair syndrome. Last evaluated: 2024-09-23. Review status: criteria provided, single submitter. Criteria: Invitae Variant Classification Sherloc (09022015). Collection method: clinical testing. Allele origin: germline.
Comment: This sequence change replaces isoleucine, which is neutral and non-polar, with serine, which is neutral and polar, at codon 103 of the ATP7A protein (p.Ile103Ser). This variant is not present in population databases (gnomAD no frequency). This variant has not been reported in the literature in individuals affected with ATP7A-related conditions. Invitae Evidence Modeling of protein sequence and biophysical properties (such as structural, functional, and spatial information, amino acid conservation, physicochemical variation, residue mobility, and thermodynamic stability) indicates that this missense variant is not expected to disrupt ATP7A protein function with a negative predictive value of 95%. In summary, the available evidence is currently insufficient to determine the role of this variant in disease. Therefore, it has been classified as a Variant of Uncertain Significance.

NM_000052.7(ATP7A):c.308T>G (p.Ile103Ser)

Gene: ATP7A (ATPase copper transporting alpha; plus strand). Cytogenetic location: Xq21.1.
Variant type: single nucleotide variant.
Coding change: c.308T>G on transcript NM_000052.7 (MANE Select); coding-DNA position 308, T replaced by G.
Protein change: p.Ile103Ser; replaces isoleucine 103 with serine.
Molecular consequence: missense variant.
Genome position (GRCh38, 1-based): chrX:77,988,429, T>G. VCF-style: chrX-77988429-T-G. GRCh37 (hg19) VCF-style: chrX-77243925-T-G.
Other names: c.308T>G, p.Ile103Ser (NM_001282224.2); short protein forms I103S.
Identifiers: ClinVar variation 3749532 (VCV003749532.2).